The following is an entry in ClinVar:

NM_032043.3(BRIP1):c.3055G>C (p.Ala1019Pro)

Gene: BRIP1 (BRCA1 interacting DNA helicase 1; minus strand). Cytogenetic location: 17q23.2.
Variant type: single nucleotide variant.
Coding change: c.3055G>C on transcript NM_032043.3 (MANE Select); coding-DNA position 3055, G replaced by C.
Protein change: p.Ala1019Pro; replaces alanine 1019 with proline.
Molecular consequence: missense variant.
Genome position (GRCh38, 1-based): chr17:61,683,991, C>G on the plus strand (G>C on the coding strand, the complement: BRIP1 is on the minus strand). VCF-style: chr17-61683991-C-G. GRCh37 (hg19) VCF-style: chr17-59761352-C-G.
Other names: short protein forms A1019P.
Identifiers: ClinVar variation 3228119 (VCV003228119.1), dbSNP rs1603275556, ClinGen allele CA400479902.

ClinVar aggregate classification (germline): Uncertain significance (1 of 4 stars; one submission).

Conditions:
Hereditary cancer-predisposing syndrome. Also called: Neoplastic Syndromes, Hereditary; Tumor predisposition; Hereditary neoplastic syndrome; Hereditary Cancer Syndrome. Identifiers: Orphanet 140162, MedGen C0027672, MeSH D009386, MONDO:0015356.

Submission:

Ambry Genetics
Classification: Uncertain significance for Hereditary cancer-predisposing syndrome. Last evaluated: 2024-02-28. Review status: criteria provided, single submitter. Criteria: Ambry Variant Classification Scheme 2023. Collection method: clinical testing. Allele origin: germline.
Comment: The p.A1019P variant (also known as c.3055G>C), located in coding exon 19 of the BRIP1 gene, results from a G to C substitution at nucleotide position 3055. The alanine at codon 1019 is replaced by proline, an amino acid with highly similar properties. This amino acid position is conserved. In addition, this alteration is predicted to be tolerated by in silico analysis. Based on the available evidence, the clinical significance of this alteration remains unclear.